The following is an entry in ClinVar:

NM_001698.3(AUH):c.730G>A (p.Asp244Asn)

Gene: AUH (AU RNA binding methylglutaconyl-CoA hydratase; minus strand). Cytogenetic location: 9q22.31.
Variant type: single nucleotide variant.
Coding change: c.730G>A on transcript NM_001698.3 (MANE Select); coding-DNA position 730, G replaced by A.
Protein change: p.Asp244Asn; replaces aspartic acid 244 with asparagine.
Molecular consequence: missense variant.
Genome position (GRCh38, 1-based): chr9:91,220,918, C>T on the plus strand (G>A on the coding strand, the complement: AUH is on the minus strand). VCF-style: chr9-91220918-C-T. GRCh37 (hg19) VCF-style: chr9-93983200-C-T.
Other names: p.D244N:GAT>AAT; p.Asp244Asn; c.643G>A, p.Asp215Asn (NM_001306190.2); c.403G>A, p.Asp135Asn (NM_001351431.2, NM_001351432.2, NM_001351433.2); short protein forms D244N, D135N, D215N.
Identifiers: ClinVar variation 214146 (VCV000214146.14), dbSNP rs202182817, ClinGen allele CA320067.
Genomic context (GRCh38, chr9:91,220,918, plus strand): 5'-CCTCCTGGTTCTGTTCCAGAACGTGGCTGATTAAGCCCACTGCTTTGGCTTCTTTGCCAT[C>T]GAGGACTCGCGCAGAGAATATGAGCTCCTTGGCCAGGGACATTCCAATGGCGCGTGGCAA-3'
Protein context (NP_001689.1, residues 234-254): KELIFSARVL[Asp244Asn]GKEAKAVGLI

ClinVar aggregate classification (germline): Uncertain significance. Review status: criteria provided, multiple submitters, no conflicts (2 of 4 stars). 6 submissions from 6 submitters: Uncertain significance (5). 1 of the submissions does not count toward it. Last evaluated 2024-12-17.

Conditions:
AUH-related disorder. Also called: AUH-related condition.
Inborn genetic diseases. Identifiers: MedGen C0950123, MeSH D030342.
3-methylglutaconic aciduria type 1 (MGCA1). Identifiers: Orphanet 67046, MedGen C0342727, MONDO:0009610, OMIM 250950.

Allele frequency attached by ClinVar (database versions not stated): gnomAD 0.00039 and 0.00040; ExAC 0.00042; ESP Exome Variant Server 0.00031; TOPMed 0.00040; gnomAD exomes 0.00059 and 0.00043.

Submissions (6):

Mayo Clinic Laboratories, Mayo Clinic
Classification: Uncertain significance. Last evaluated: 2024-12-17. Review status: criteria provided, single submitter. Criteria: ACMG Guidelines, 2015. Collection method: clinical testing. Allele origin: germline. Observed: 2 variant alleles.

Labcorp Genetics (formerly Invitae), Labcorp
Classification: Uncertain significance for 3-methylglutaconic aciduria type 1. Last evaluated: 2022-08-23. Review status: criteria provided, single submitter. Criteria: Invitae Variant Classification Sherloc (09022015). Collection method: clinical testing. Allele origin: germline.
Comment: This sequence change replaces aspartic acid, which is acidic and polar, with asparagine, which is neutral and polar, at codon 244 of the AUH protein (p.Asp244Asn). This variant is present in population databases (rs202182817, gnomAD 0.1%). This variant has not been reported in the literature in individuals affected with AUH-related conditions. ClinVar contains an entry for this variant (Variation ID: 214146). Algorithms developed to predict the effect of missense changes on protein structure and function (SIFT, PolyPhen-2, Align-GVGD) all suggest that this variant is likely to be tolerated. In summary, the available evidence is currently insufficient to determine the role of this variant in disease. Therefore, it has been classified as a Variant of Uncertain Significance.

Ambry Genetics
Classification: Uncertain significance for Inborn genetic diseases. Last evaluated: 2022-08-18. Review status: criteria provided, single submitter. Criteria: Ambry Variant Classification Scheme 2023. Collection method: clinical testing. Allele origin: germline.

Fulgent Genetics
Classification: Uncertain significance for 3-methylglutaconic aciduria type 1. Last evaluated: 2018-10-31. Review status: criteria provided, single submitter. Criteria: ACMG Guidelines, 2015. Collection method: clinical testing. Allele origin: unknown.

GeneDx
Classification: Uncertain significance. Last evaluated: 2018-09-14. Review status: criteria provided, single submitter. Criteria: GeneDx Variant Classification (06012015). Collection method: clinical testing. Allele origin: germline. Affected: yes.
Comment: p.Asp244Asn (GAT>AAT): c.730 G>A in exon 7 of the AUH gene (NM_001698.2). The D244N missense substitution has not been published as a mutation, nor has it been reported as a benign polymorphism to our knowledge. The amino acid change is non-conservative as a negatively charged Aspartic Acid residue is replaced by an uncharged Asparagine residue. This change occurs at a position in the AUH protein that is conserved in mammals. A missense mutation at a nearby position (A240V) has been reported in association with 3-methylglutaconic aciduria type 1. In-silico analyses are not consistent in their predictions of whether or not D244N is damaging to the AUH protein. Therefore, based on the currently available information, it is unclear whether D244N is a disease-causing mutation or a rare benign variant. The variant is found in MITONUC-MITOP panel(s).

PreventionGenetics, part of Exact Sciences
Classification: Uncertain significance for AUH-related condition. Last evaluated: 2024-06-03. Review status: no assertion criteria provided. Collection method: clinical testing. Allele origin: germline. Not counted in ClinVar's aggregate classification.
Comment: The AUH c.730G>A variant is predicted to result in the amino acid substitution p.Asp244Asn. To our knowledge, this variant has not been reported in the literature. This variant is reported in 0.12% of alleles in individuals of South Asian descent in gnomAD, which may be too common to be an undocumented cause of disease. Although we suspect that this variant may be benign, at this time, the clinical significance of this variant is uncertain due to the absence of conclusive functional and genetic evidence.